The following is an entry in ClinVar:

NM_001205293.3(CACNA1E):c.4692G>A (p.Leu1564=)

Gene: CACNA1E (calcium voltage-gated channel subunit alpha1 E; plus strand). Cytogenetic location: 1q25.3.
Variant type: single nucleotide variant.
Coding change: c.4692G>A on transcript NM_001205293.3 (MANE Select); coding-DNA position 4692, G replaced by A.
Protein change: p.Leu1564=; no amino-acid change (leucine 1564 retained).
Molecular consequence: synonymous variant.
Genome position (GRCh38, 1-based): chr1:181,763,408, G>A. VCF-style: chr1-181763408-G-A. GRCh37 (hg19) VCF-style: chr1-181732544-G-A.
Other names: c.4692G>A, p.Leu1564= (NM_000721.4); c.4635G>A, p.Leu1545= (NM_001205294.2).
Identifiers: ClinVar variation 1660947 (VCV001660947.9), dbSNP rs2102723150, ClinGen allele CA422086630.
Genomic context (GRCh38, chr1:181,763,408, plus strand): 5'-TAGATTTTTCTAAATCACCATAATGTTCCTAATTATATGTTTCCTTTTGGTCCACCAGCT[G>A]GTGAACACCAGTGGCTTCAATATGAGCTTTCTGAAGCTCTTCCGAGCTGCCCGCCTCATA-3'
Protein context (NP_001192222.1, residues 1554-1574): ITEIILTDSK[Leu1564=]VNTSGFNMSF

ClinVar aggregate classification (germline): Conflicting classifications of pathogenicity. Review status: criteria provided, conflicting classifications (1 of 4 stars). 2 submissions from 2 submitters: Uncertain significance (1); Likely benign (1). Last evaluated 2022-07-08.

Submissions (2):

GeneDx
Classification: Uncertain significance. Last evaluated: 2022-07-08. Review status: criteria provided, single submitter. Criteria: GeneDx Variant Classification Process June 2021. Collection method: clinical testing. Allele origin: germline. Affected: yes.
Comment: Not observed at significant frequency in large population cohorts (gnomAD); Has not been previously published as pathogenic or benign to our knowledge; In silico analysis, which includes splice predictors and evolutionary conservation, suggests this variant may impact gene splicing. In the absence of RNA/functional studies, the actual effect of this sequence change is unknown.

Labcorp Genetics (formerly Invitae), Labcorp
Classification: Likely benign. Last evaluated: 2020-12-12. Review status: criteria provided, single submitter. Criteria: Invitae Variant Classification Sherloc (09022015). Collection method: clinical testing. Allele origin: germline.